The following is an entry in ClinVar:

ClinVar aggregate classification (germline): Pathogenic (1 of 4 stars; one submission).

Conditions:
MHC class II deficiency. Also called: BLS, TYPE II; Bare lymphocyte syndrome 2. Identifiers: Orphanet 572, MedGen C5447452, MONDO:0008855.

Submission:

Labcorp Genetics (formerly Invitae), Labcorp
Classification: Pathogenic for MHC class II deficiency. Last evaluated: 2020-04-01. Review status: criteria provided, single submitter. Criteria: Invitae Variant Classification Sherloc (09022015). Collection method: clinical testing. Allele origin: germline.
Comment: This variant is a gross deletion of the genomic region encompassing exon 1 of the CIITA gene, which includes the initiator codon. The 5' end of this event is unknown as it extends beyond the assayed region for this gene and therefore may encompass additional genes. The 3' boundary is likely confined to intron 1 of the CIITA gene. This is expected to result in an absent or disrupted protein product. This variant has not been reported in the literature in individuals with CIITA-related conditions. Loss-of-function variants in CIITA are known to be pathogenic (PMID: 8402893, 9099848, 26271388). For these reasons, this variant has been classified as Pathogenic.

Literature cited by the submitters: PubMed 8402893; PubMed 9099848; PubMed 26271388.

NC_000016.9:g.(?_10971168)_(10971259_?)del

Gene: CIITA (class II major histocompatibility complex transactivator; plus strand). Cytogenetic location: 16p13.13.
Variant type: Deletion.
Identifiers: ClinVar variation 1071007 (VCV001071007.1).